The following is an entry in ClinVar:

ClinVar aggregate classification (germline): Conflicting classifications of pathogenicity. Review status: criteria provided, conflicting classifications (1 of 4 stars). 3 submissions from 3 submitters: Uncertain significance (2); Likely benign (1). Last evaluated 2026-05-22.

Allele frequency attached by ClinVar (database versions not stated): gnomAD exomes 0.00003 and 0.00006; ExAC 0.00006; ESP Exome Variant Server 0.00016; gnomAD 0.00026 and 0.00028; TOPMed 0.00031; 1000 Genomes Project 0.00040; 1000 Genomes Project 30x 0.00047.
gnomAD v4.1: 81 of 1,614,042 alleles (0.005%); highest among the groups gnomAD compares: African/African-American, 0.079%; no homozygotes.

Submissions (3):

GeneDx
Classification: Uncertain significance. Last evaluated: 2026-05-22. Review status: criteria provided, single submitter. Criteria: GeneDx Variant Classification Process June 2021. Collection method: clinical testing. Allele origin: germline.
Comment: In silico analysis supports that this missense variant has a deleterious effect on protein structure/function; Has not been previously published as pathogenic or benign to our knowledge

Labcorp Genetics (formerly Invitae), Labcorp
Classification: Likely benign. Last evaluated: 2025-09-09. Review status: criteria provided, single submitter. Criteria: Invitae Variant Classification Sherloc (09022015). Collection method: clinical testing. Allele origin: germline.

Laboratory for Molecular Medicine, Mass General Brigham Personalized Medicine
Classification: Uncertain significance. Last evaluated: 2015-10-23. Review status: criteria provided, single submitter. Criteria: LMM Criteria. Collection method: clinical testing. Allele origin: germline. Observed: 1 variant allele.
Comment: The p.Asp1366Asn variant in MYO15A has not been previously reported in individua ls with hearing loss. It has been identified in 7/9798 African chromosomes by th e Exome Aggregation Consortium (ExAC; dbSNP rs36 8603235). Although this variant has been seen in the general population, its fre quency is not high enough to rule out a pathogenic role. Computational predictio n tools and conservation analysis do not provide strong support for or against a n impact to the protein. In summary, the clinical significance of the p.Asp1366A sn variant is uncertain.

NM_016239.4(MYO15A):c.4096G>A (p.Asp1366Asn)

Gene: MYO15A (myosin XVA; plus strand). Cytogenetic location: 17p11.2.
Variant type: single nucleotide variant.
Coding change: c.4096G>A on transcript NM_016239.4 (MANE Select); coding-DNA position 4096, G replaced by A.
Protein change: p.Asp1366Asn; replaces aspartic acid 1366 with asparagine.
Molecular consequence: missense variant.
Genome position (GRCh38, 1-based): chr17:18,131,296, G>A. VCF-style: chr17-18131296-G-A. GRCh37 (hg19) VCF-style: chr17-18034610-G-A.
Other names: short protein forms D1366N.
Identifiers: ClinVar variation 228951 (VCV000228951.9), dbSNP rs368603235, ClinGen allele CA8423768.